The following is an entry in ClinVar:

NM_032043.3(BRIP1):c.2210A>G (p.Glu737Gly)

Gene: BRIP1 (BRCA1 interacting DNA helicase 1; minus strand). Cytogenetic location: 17q23.2.
Variant type: single nucleotide variant.
Coding change: c.2210A>G on transcript NM_032043.3 (MANE Select); coding-DNA position 2210, A replaced by G.
Protein change: p.Glu737Gly; replaces glutamic acid 737 with glycine.
Molecular consequence: missense variant.
Genome position (GRCh38, 1-based): chr17:61,744,479, T>C on the plus strand (A>G on the coding strand, the complement: BRIP1 is on the minus strand). VCF-style: chr17-61744479-T-C. GRCh37 (hg19) VCF-style: chr17-59821840-T-C.
Other names: short protein forms E737G.
Identifiers: ClinVar variation 3482423 (VCV003482423.1).

ClinVar aggregate classification (germline): Uncertain significance (1 of 4 stars; one submission).

Conditions:
Hereditary cancer-predisposing syndrome. Also called: Tumor predisposition; Neoplastic Syndromes, Hereditary; Hereditary Cancer Syndrome; Hereditary neoplastic syndrome. Identifiers: Orphanet 140162, MedGen C0027672, MeSH D009386, MONDO:0015356.

gnomAD v4.1: 1 of 1,613,976 alleles (0.000062%); highest among the groups gnomAD compares: Non-Finnish European, 0.000085%; no homozygotes.

Submission:

Ambry Genetics
Classification: Uncertain significance for Hereditary cancer-predisposing syndrome. Last evaluated: 2024-08-31. Review status: criteria provided, single submitter. Criteria: Ambry Variant Classification Scheme 2023. Collection method: clinical testing. Allele origin: germline.
Comment: The p.E737G variant (also known as c.2210A>G), located in coding exon 14 of the BRIP1 gene, results from an A to G substitution at nucleotide position 2210. The glutamic acid at codon 737 is replaced by glycine, an amino acid with similar properties. This amino acid position is conserved. In addition, the in silico prediction for this alteration is inconclusive. Based on the available evidence, the clinical significance of this variant remains unclear.